The following is an entry in ClinVar:

NM_177398.4(LMX1A):c.829G>A (p.Gly277Ser)

Genes: LMX1A (LIM homeobox transcription factor 1 alpha; minus strand), LMX1A-AS2 (LMX1A antisense RNA 2; plus strand). Cytogenetic location: 1q23.3.
Variant type: single nucleotide variant.
Coding change: c.829G>A on transcript NM_177398.4 (MANE Select); coding-DNA position 829, G replaced by A.
Protein change: p.Gly277Ser; replaces glycine 277 with serine.
Molecular consequence: missense variant.
Genome position (GRCh38, 1-based): chr1:165,206,023, C>T on the plus strand (G>A on the coding strand, the complement: LMX1A is on the minus strand). VCF-style: chr1-165206023-C-T. GRCh37 (hg19) VCF-style: chr1-165175260-C-T.
Other names: c.829G>A, p.Gly277Ser (NM_001174069.2); short protein forms G277S.
Identifiers: ClinVar variation 4546960 (VCV004546960.2).

ClinVar aggregate classification (germline): Uncertain significance. Review status: criteria provided, multiple submitters, no conflicts (2 of 4 stars). 2 submissions from 2 submitters: Uncertain significance (2). Last evaluated 2026-01-28.

gnomAD v4.1: 32 of 1,561,968 alleles (0.002%); highest among the groups gnomAD compares: East Asian, 0.0023%; no homozygotes.

Submissions (2):

Women's Health and Genetics/Laboratory Corporation of America, LabCorp
Classification: Uncertain significance. Last evaluated: 2026-01-28. Review status: criteria provided, single submitter. Criteria: LabCorp Variant Classification Summary - May 2015. Collection method: clinical testing. Allele origin: germline.
Comment: Variant summary: LMX1A c.829G>A (p.Gly277Ser) results in a non-conservative amino acid change in the encoded protein sequence. Algorithms developed to predict the effect of missense changes on protein structure and function are either unavailable or do not agree on the potential impact of this missense change. The variant allele was found at a frequency of 3e-05 in 202980 control chromosomes. The available data on variant occurrences in the general population are insufficient to allow any conclusion about variant significance. To our knowledge, no occurrence of c.829G>A in individuals affected with LMX1A-related conditions and no experimental evidence demonstrating its impact on protein function have been reported. No submitters have cited clinical-significance assessments for this variant to ClinVar. Based on the evidence outlined above, the variant was classified as uncertain significance.

Ambry Genetics
Classification: Uncertain significance. Last evaluated: 2025-12-02. Review status: criteria provided, single submitter. Criteria: Ambry Variant Classification Scheme 2023. Collection method: clinical testing. Allele origin: germline.